The following is an entry in ClinVar:

ClinVar aggregate classification (germline): Uncertain significance. Review status: criteria provided, multiple submitters, no conflicts (2 of 4 stars). 2 submissions from 2 submitters: Uncertain significance (2). Last evaluated 2024-05-04.

Conditions:
Cardiovascular phenotype. Identifiers: MedGen CN230736.
Long QT syndrome (LQTS). Identifiers: MedGen C0023976, MeSH D008133, MONDO:0002442. Disease mechanism: loss of function. Inheritance: Various modes of inheritance.

Allele frequency attached by ClinVar (database versions not stated): gnomAD exomes below 0.00001; TOPMed 0.00001.

Submissions (2):

Labcorp Genetics (formerly Invitae), Labcorp
Classification: Uncertain significance for Long QT syndrome. Last evaluated: 2024-05-04. Review status: criteria provided, single submitter. Criteria: Invitae Variant Classification Sherloc (09022015). Collection method: clinical testing. Allele origin: germline.
Comment: This sequence change replaces isoleucine, which is neutral and non-polar, with valine, which is neutral and non-polar, at codon 776 of the ANK2 protein (p.Ile776Val). This variant is not present in population databases (gnomAD no frequency). This variant has not been reported in the literature in individuals affected with ANK2-related conditions. ClinVar contains an entry for this variant (Variation ID: 1423481). Advanced modeling of protein sequence and biophysical properties (such as structural, functional, and spatial information, amino acid conservation, physicochemical variation, residue mobility, and thermodynamic stability) performed at Invitae indicates that this missense variant is not expected to disrupt ANK2 protein function with a negative predictive value of 80%. In summary, the available evidence is currently insufficient to determine the role of this variant in disease. Therefore, it has been classified as a Variant of Uncertain Significance.

Ambry Genetics
Classification: Uncertain significance for Cardiovascular phenotype. Last evaluated: 2023-08-17. Review status: criteria provided, single submitter. Criteria: Ambry Variant Classification Scheme 2023. Collection method: clinical testing. Allele origin: germline.
Comment: The p.I776V variant (also known as c.2326A>G), located in coding exon 21 of the ANK2 gene, results from an A to G substitution at nucleotide position 2326. The isoleucine at codon 776 is replaced by valine, an amino acid with highly similar properties. This amino acid position is well conserved in available vertebrate species. In addition, this alteration is predicted to be tolerated by in silico analysis. Since supporting evidence is limited at this time, the clinical significance of this alteration remains unclear.

Literature cited by the submitters: PubMed 27650965 (cited by Ambry Genetics).

NM_001148.6(ANK2):c.2326A>G (p.Ile776Val)

Gene: ANK2 (ankyrin 2; plus strand). Cytogenetic location: 4q26.
Variant type: single nucleotide variant.
Coding change: c.2326A>G on transcript NM_001148.6 (MANE Select); coding-DNA position 2326, A replaced by G.
Protein change: p.Ile776Val; replaces isoleucine 776 with valine.
Molecular consequence: missense variant.
Genome position (GRCh38, 1-based): chr4:113,292,464, A>G. VCF-style: chr4-113292464-A-G. GRCh37 (hg19) VCF-style: chr4-114213620-A-G.
Other names: c.2263A>G, p.Ile755Val (NM_001127493.3, NM_001354239.2, NM_001354243.2 and 10 more transcripts); c.2326A>G, p.Ile776Val (NM_001354225.2, NM_001354228.2, NM_001354232.2 and 6 more transcripts); c.2371A>G, p.Ile791Val (NM_001354230.2, NM_001354231.2, NM_001354237.2 and 5 more transcripts); c.2227A>G, p.Ile743Val (NM_001354245.2, NM_001354268.2); c.2239A>G, p.Ile747Val (NM_001354249.2, NM_001354264.2, NM_001354266.2 and 10 more transcripts); c.2164A>G, p.Ile722Val (NM_001354253.2, NM_001354257.2, NM_001354270.2 and 1 more transcripts); c.2140A>G, p.Ile714Val (NM_001354260.2, NM_001354271.2, NM_001386151.1); c.2284A>G, p.Ile762Val (NM_001354261.2, NM_001386147.1, NM_001386160.1); and 9 more; short protein forms I706V, I722V, I743V, I764V, I755V, I762V, I776V, I791V.
Identifiers: ClinVar variation 1423481 (VCV001423481.9), dbSNP rs947769072, ClinGen allele CA103795239.